The following is an entry in ClinVar:

ClinVar aggregate classification (germline): Uncertain significance. Review status: criteria provided, multiple submitters, no conflicts (2 of 4 stars). 7 submissions from 7 submitters: Uncertain significance (6). 1 of the submissions does not count toward it. Last evaluated 2026-05-13.

Conditions:
Joubert syndrome 7 (JBTS7). Identifiers: Orphanet 220497, MedGen C1969053, MONDO:0012694, OMIM 611560.
Meckel syndrome, type 5 (MKS5). Identifiers: Orphanet 564, MedGen C1969052, MONDO:0012695, OMIM 611561.
COACH syndrome 3. Identifiers: MedGen C5436841, MONDO:0030862, OMIM 619113.
RPGRIP1L-related disorder. Also called: RPGRIP1L-related condition; RPGRIP1L-related disorders. Identifiers: MedGen CN239416.
Joubert syndrome. Also called: Familial aplasia of the vermis; JOUBERT-BOLTSHAUSER SYNDROME. Identifiers: Orphanet 475, MedGen C5979921, MONDO:0018772.
Inborn genetic diseases. Identifiers: MedGen C0950123, MeSH D030342.
Meckel-Gruber syndrome. Also called: GRUBER SYNDROME; Dysencephalia splachnocystica; DYSENCEPHALIA SPLANCHNOCYSTICA. Identifiers: Orphanet 564, MedGen C0265215, MONDO:0018921.

Allele frequency attached by ClinVar (database versions not stated): TOPMed 0.00006; gnomAD 0.00009 and 0.00010; ESP Exome Variant Server 0.00023.
gnomAD v4.1: 65 of 1,612,806 alleles (0.004%); highest among the groups gnomAD compares: African/African-American, 0.031%; no homozygotes.

Submissions (7):

PreventionGenetics, part of Exact Sciences
Classification: Uncertain significance for RPGRIP1L-related condition. Last evaluated: 2026-05-13. Review status: criteria provided, single submitter. Criteria: ACMG Guidelines, 2015. Collection method: clinical testing. Allele origin: germline.
Comment: The RPGRIP1L c.1603C>T variant is predicted to result in the amino acid substitution p.Arg535Cys. To our knowledge, this variant has not been reported in the literature. This variant is reported in 0.036% of alleles in individuals of African descent in gnomAD. At this time, the clinical significance of this variant is uncertain due to the absence of conclusive functional and genetic evidence.

Labcorp Genetics (formerly Invitae), Labcorp
Classification: Uncertain significance for Joubert syndrome; Meckel-Gruber syndrome. Last evaluated: 2026-01-19. Review status: criteria provided, single submitter. Criteria: Invitae Variant Classification Sherloc (09022015). Collection method: clinical testing. Allele origin: germline.
Comment: This sequence change replaces arginine, which is basic and polar, with cysteine, which is neutral and slightly polar, at codon 535 of the RPGRIP1L protein (p.Arg535Cys). This variant is present in population databases (rs149781516, gnomAD 0.03%). This variant has not been reported in the literature in individuals affected with RPGRIP1L-related conditions. ClinVar contains an entry for this variant (Variation ID: 970944). Invitae Evidence Modeling of protein sequence and biophysical properties (such as structural, functional, and spatial information, amino acid conservation, physicochemical variation, residue mobility, and thermodynamic stability) has been performed for this missense variant. However, the output from this modeling did not meet the statistical confidence thresholds required to predict the impact of this variant on RPGRIP1L protein function. In summary, the available evidence is currently insufficient to determine the role of this variant in disease. Therefore, it has been classified as a Variant of Uncertain Significance.

Blueprint Genetics
Classification: Uncertain significance. Last evaluated: 2024-10-21. Review status: criteria provided, single submitter. Criteria: ACMG Guidelines, 2015. Collection method: clinical testing. Allele origin: germline.

Fulgent Genetics
Classification: Uncertain significance for Joubert syndrome 7; Meckel syndrome, type 5; COACH syndrome 3. Last evaluated: 2024-04-30. Review status: criteria provided, single submitter. Criteria: ACMG Guidelines, 2015. Collection method: clinical testing. Allele origin: germline.

GeneDx
Classification: Uncertain significance. Last evaluated: 2023-06-13. Review status: criteria provided, single submitter. Criteria: GeneDx Variant Classification Process June 2021. Collection method: clinical testing. Allele origin: germline. Affected: yes.
Comment: In silico analysis supports that this missense variant does not alter protein structure/function; Has not been previously published as pathogenic or benign to our knowledge

Ambry Genetics
Classification: Uncertain significance for Inborn genetic diseases. Last evaluated: 2022-03-29. Review status: criteria provided, single submitter. Criteria: Ambry Variant Classification Scheme 2023. Collection method: clinical testing. Allele origin: germline.

Natera, Inc.
Classification: Uncertain significance for Joubert syndrome. Last evaluated: 2020-05-08. Review status: no assertion criteria provided. Collection method: clinical testing. Allele origin: germline. Not counted in ClinVar's aggregate classification.

NM_015272.5(RPGRIP1L):c.1603C>T (p.Arg535Cys)

Gene: RPGRIP1L (RPGRIP1 like; minus strand). Cytogenetic location: 16q12.2.
Variant type: single nucleotide variant.
Coding change: c.1603C>T on transcript NM_015272.5 (MANE Select); coding-DNA position 1603, C replaced by T.
Protein change: p.Arg535Cys; replaces arginine 535 with cysteine.
Molecular consequence: missense variant.
Genome position (GRCh38, 1-based): chr16:53,656,568, G>A on the plus strand (C>T on the coding strand, the complement: RPGRIP1L is on the minus strand). VCF-style: chr16-53656568-G-A. GRCh37 (hg19) VCF-style: chr16-53690480-G-A.
Other names: c.1603C>T, p.Arg535Cys (NM_001127897.4, NM_001308334.3, NM_001330538.2); c.1603C>T (NM_015272.4); short protein forms R535C.
Identifiers: ClinVar variation 970944 (VCV000970944.19), dbSNP rs149781516, ClinGen allele CA8057755.